The following is an entry in ClinVar:

NM_015175.3(NBEAL2):c.2249C>G (p.Thr750Ser)

Gene: NBEAL2 (neurobeachin like 2; plus strand). Cytogenetic location: 3p21.31.
Variant type: single nucleotide variant.
Coding change: c.2249C>G on transcript NM_015175.3 (MANE Select); coding-DNA position 2249, C replaced by G.
Protein change: p.Thr750Ser; replaces threonine 750 with serine.
Molecular consequence: missense variant.
Genome position (GRCh38, 1-based): chr3:46,996,368, C>G. VCF-style: chr3-46996368-C-G. GRCh37 (hg19) VCF-style: chr3-47037858-C-G.
Other names: c.2147C>G, p.Thr716Ser (NM_001365116.2); short protein forms T716S, T750S.
Identifiers: ClinVar variation 3233493 (VCV003233493.2), dbSNP rs377324609, ClinGen allele CA2360586.

ClinVar aggregate classification (germline): Uncertain significance (1 of 4 stars; one submission).

Allele frequency attached by ClinVar (database versions not stated): ExAC 0.00003; gnomAD 0.00004; TOPMed 0.00004; ESP Exome Variant Server 0.00016.
gnomAD v4.1: 37 of 1,612,382 alleles (0.0023%); highest among the groups gnomAD compares: Non-Finnish European, 0.0031%; no homozygotes.

Submission:

Women's Health and Genetics/Laboratory Corporation of America, LabCorp
Classification: Uncertain significance. Last evaluated: 2024-03-12. Review status: criteria provided, single submitter. Criteria: LabCorp Variant Classification Summary - May 2015. Collection method: clinical testing. Allele origin: germline.
Comment: Variant summary: NBEAL2 c.2249C>G (p.Thr750Ser) results in a conservative amino acid change in the encoded protein sequence. Five of five in-silico tools predict a benign effect of the variant on protein function. The variant allele was found at a frequency of 2.1e-05 in 242058 control chromosomes. The available data on variant occurrences in the general population are insufficient to allow any conclusion about variant significance. To our knowledge, no occurrence of c.2249C>G in individuals affected with Gray Platelet Syndrome and no experimental evidence demonstrating its impact on protein function have been reported. No submitters have cited clinical-significance assessments for this variant to ClinVar. Based on the evidence outlined above, the variant was classified as uncertain significance.